The following is an entry in ClinVar:

NM_001854.4(COL11A1):c.354A>G (p.Ile118Met)

Gene: COL11A1 (collagen type XI alpha 1 chain; minus strand). Cytogenetic location: 1p21.1.
Variant type: single nucleotide variant.
Coding change: c.354A>G on transcript NM_001854.4 (MANE Select); coding-DNA position 354, A replaced by G.
Protein change: p.Ile118Met; replaces isoleucine 118 with methionine.
Molecular consequence: missense variant. On other transcripts: non-coding transcript variant (1).
Genome position (GRCh38, 1-based): chr1:103,078,792, T>C on the plus strand (A>G on the coding strand, the complement: COL11A1 is on the minus strand). VCF-style: chr1-103078792-T-C. GRCh37 (hg19) VCF-style: chr1-103544348-T-C.
Other names: c.354A>G, p.Ile118Met (NM_001190709.2, NM_080629.3, NM_080630.4); short protein forms I118M.
Identifiers: ClinVar variation 4881579 (VCV004881579.2).

ClinVar aggregate classification (germline): Uncertain significance (1 of 4 stars; one submission).

Submission:

Dasa
Classification: Uncertain significance. Last evaluated: 2025-06-10. Review status: criteria provided, single submitter. Criteria: DASA Assertion Criteria. Collection method: clinical testing. Allele origin: germline.
Comment: NM_001854.4(COL11A1):c.354A>G (p.Ile118Met) is a missense variant that results in the substitution of isoleucine with methionine. This variant is rare in population databases. Computational prediction algorithms are consistent with a benign effect. The currently available literature and clinical evidence are not sufficient to establish a definitive association between this variant and the reported condition. Therefore, this variant is classified as a variant of uncertain significance.